The following is an entry in ClinVar:

ClinVar aggregate classification (germline): Uncertain significance (1 of 4 stars; one submission).

Submission:

GeneDx
Classification: Uncertain significance. Last evaluated: 2017-03-06. Review status: criteria provided, single submitter. Criteria: GeneDx Variant Classification (06012015). Collection method: clinical testing. Allele origin: germline. Affected: yes.
Comment: A variant of uncertain significance has been identified in the NLGN4X gene. The W633X variant has not been published as a pathogenic variant, nor has it been reported as a benign variant to our knowledge. The W633X variant is not observed in large population cohorts (Lek et al., 2016; 1000 Genomes Consortium et al., 2015; Exome Variant Server). The W633X variant is predicted to cause loss of normal protein function through protein truncation as the last 184 amino acids of the NLGN4X protein are lost. However, loss of function variants have not been reported downstream of this variant (Stenson et al., 2014). Therefore, based on the currently available information, it is unclear whether this variant is a pathogenic variant or a rare benign variant.

NM_181332.3(NLGN4X):c.1898G>A (p.Trp633Ter)

Gene: NLGN4X (neuroligin 4 X-linked; minus strand). Cytogenetic location: Xp22.32.
Variant type: single nucleotide variant.
Coding change: c.1898G>A on transcript NM_181332.3 (MANE Select); coding-DNA position 1898, G replaced by A.
Protein change: p.Trp633Ter; replaces tryptophan 633 with a stop codon.
Molecular consequence: nonsense.
Genome position (GRCh38, 1-based): chrX:5,893,370, C>T on the plus strand (G>A on the coding strand, the complement: NLGN4X is on the minus strand). VCF-style: chrX-5893370-C-T. GRCh37 (hg19) VCF-style: chrX-5811411-C-T.
Other names: c.1898G>A, p.Trp633Ter (NM_001282145.2, NM_001282146.2, NM_020742.4); short protein forms W633*.
Identifiers: ClinVar variation 488971 (VCV000488971.2), dbSNP rs748224577, ClinGen allele CA412013443.